The following is an entry in ClinVar:

ClinVar aggregate classification (germline): Uncertain significance. Review status: criteria provided, multiple submitters, no conflicts (2 of 4 stars). 2 submissions from 2 submitters: Uncertain significance (2). Last evaluated 2024-03-22.

Conditions:
Progressive sclerosing poliodystrophy (MTDPS4A). Also called: Mitochondrial DNA depletion syndrome 4A (Alpers type); Mitochondrial DNA Depletion Syndrome 4A; Alpers Syndrome; ALPERS DIFFUSE DEGENERATION OF CEREBRAL GRAY MATTER WITH HEPATIC CIRRHOSIS; Alpers-Huttenlocher Syndrome; ALPERS PROGRESSIVE INFANTILE POLIODYSTROPHY. Identifiers: Orphanet 726, MedGen C0205710, MONDO:0008758, OMIM 203700.

Allele frequency attached by ClinVar (database versions not stated): TOPMed 0.00001.
gnomAD v4.1: 7 of 1,614,002 alleles (0.00043%); highest among the groups gnomAD compares: African/African-American, 0.0093%; no homozygotes.

Submissions (2):

Labcorp Genetics (formerly Invitae), Labcorp
Classification: Uncertain significance for Progressive sclerosing poliodystrophy. Last evaluated: 2024-03-22. Review status: criteria provided, single submitter. Criteria: Invitae Variant Classification Sherloc (09022015). Collection method: clinical testing. Allele origin: germline.
Comment: This sequence change replaces arginine, which is basic and polar, with glycine, which is neutral and non-polar, at codon 546 of the POLG protein (p.Arg546Gly). The frequency data for this variant in the population databases is considered unreliable, as metrics indicate poor data quality at this position in the gnomAD database. This variant has not been reported in the literature in individuals affected with POLG-related conditions. ClinVar contains an entry for this variant (Variation ID: 595815). Advanced modeling of protein sequence and biophysical properties (such as structural, functional, and spatial information, amino acid conservation, physicochemical variation, residue mobility, and thermodynamic stability) performed at Invitae indicates that this missense variant is not expected to disrupt POLG protein function with a negative predictive value of 95%. In summary, the available evidence is currently insufficient to determine the role of this variant in disease. Therefore, it has been classified as a Variant of Uncertain Significance.

Eurofins Ntd Llc (ga)
Classification: Uncertain significance. Last evaluated: 2018-01-22. Review status: criteria provided, single submitter. Criteria: EGL Classification Definitions 2015. Collection method: clinical testing. Allele origin: germline. Observed: 1 variant allele, 1 heterozygote.

NM_002693.3(POLG):c.1636C>G (p.Arg546Gly)

Gene: POLG (DNA polymerase gamma, catalytic subunit; minus strand). Cytogenetic location: 15q26.1.
Variant type: single nucleotide variant.
Coding change: c.1636C>G on transcript NM_002693.3 (MANE Select); coding-DNA position 1636, C replaced by G.
Protein change: p.Arg546Gly; replaces arginine 546 with glycine.
Molecular consequence: missense variant.
Genome position (GRCh38, 1-based): chr15:89,326,688, G>C on the plus strand (C>G on the coding strand, the complement: POLG is on the minus strand). VCF-style: chr15-89326688-G-C. GRCh37 (hg19) VCF-style: chr15-89869919-G-C.
Other names: c.1636C>G, p.Arg546Gly (NM_001126131.2); short protein forms R546G.
Identifiers: ClinVar variation 595815 (VCV000595815.10), dbSNP rs2307447, ClinGen allele CA7724741.
Genomic context (GRCh38, chr15:89,326,688, plus strand): 5'-GGTGCTGGGGCCGCTTGGGCAGGAGCTCTGTGGTCCCCTTCAGCTTCTGCAAGCAGGCGC[G>C]GGCCATGACATCTTGTTGAAACTCCTCCTCCTCACTGCAGGGGCCGAGGTCTGTGAGGGT-3'
Protein context (NP_002684.1, residues 536-556): EEEFQQDVMA[Arg546Gly]ACLQKLKGTT